The following is an entry in ClinVar:

NM_000090.4(COL3A1):c.3207T>G (p.Pro1069=)

Gene: COL3A1 (collagen type III alpha 1 chain; plus strand). Cytogenetic location: 2q32.2.
Variant type: single nucleotide variant.
Coding change: c.3207T>G on transcript NM_000090.4 (MANE Select); coding-DNA position 3207, T replaced by G.
Protein change: p.Pro1069=; no amino-acid change (proline 1069 retained).
Molecular consequence: synonymous variant.
Genome position (GRCh38, 1-based): chr2:189,006,942, T>G. VCF-style: chr2-189006942-T-G. GRCh37 (hg19) VCF-style: chr2-189871668-T-G.
Identifiers: ClinVar variation 919849 (VCV000919849.28), dbSNP rs774148328, ClinGen allele CA075946.

ClinVar aggregate classification (germline): Likely benign. Review status: criteria provided, multiple submitters, no conflicts (2 of 4 stars). 3 submissions from 3 submitters: Likely benign (3). Last evaluated 2025-01-01.

Conditions:
Familial thoracic aortic aneurysm and aortic dissection (TAAD). Also called: Thoracic aortic aneurysms and dissections. Identifiers: Orphanet 91387, MedGen C4707243, MONDO:0019625.
Ehlers-Danlos syndrome, type 4 (EDSVASC). Also called: Ehlers-Danlos Syndrome Type IV; Ehlers-Danlos syndrome vascular type; Ehlers Danlos syndrome, ecchymotic type; Ehlers Danlos syndrome, arterial type; Ehlers Danlos syndrome, Sack-Barabas type. Identifiers: Orphanet 286, MedGen C0268338, MONDO:0017314, OMIM 130050.

Allele frequency attached by ClinVar (database versions not stated): gnomAD exomes below 0.00001; ExAC 0.00001.

Submissions (3):

CeGaT Center for Human Genetics Tuebingen
Classification: Likely benign. Last evaluated: 2025-01-01. Review status: criteria provided, single submitter. Criteria: CeGaT Center For Human Genetics Tuebingen Variant Classification Criteria Version 2. Collection method: clinical testing. Allele origin: germline. Affected: yes. Observed: 8 variant alleles.
Comment: COL3A1: BP4, BP7

All of Us Research Program, National Institutes of Health
Classification: Likely benign for Ehlers-Danlos syndrome, type 4. Last evaluated: 2024-02-05. Review status: criteria provided, single submitter. Criteria: ACMG Guidelines, 2015. Collection method: clinical testing. Allele origin: germline. Inheritance: Autosomal dominant inheritance. Observed: 2 variant alleles, 2 heterozygotes.
Comment: This study involves interpretation of variants in research participants for the purpose of population health screening. Participant phenotype was not available at the time of variant classification. Additional details can be found in publication PMID: 35346344, PMCID: PMC8962531

Color Diagnostics, LLC DBA Color Health
Classification: Likely benign for Familial thoracic aortic aneurysm and aortic dissection. Last evaluated: 2019-08-12. Review status: criteria provided, single submitter. Criteria: ACMG Guidelines, 2015. Collection method: clinical testing. Allele origin: germline.